The following is an entry in ClinVar:

NM_172107.4(KCNQ2):c.956A>G (p.Lys319Arg)

Gene: KCNQ2 (potassium voltage-gated channel subfamily Q member 2; minus strand). Cytogenetic location: 20q13.33.
Variant type: single nucleotide variant.
Coding change: c.956A>G on transcript NM_172107.4 (MANE Select); coding-DNA position 956, A replaced by G.
Protein change: p.Lys319Arg; replaces lysine 319 with arginine.
Molecular consequence: missense variant.
Genome position (GRCh38, 1-based): chr20:63,438,692, T>C on the plus strand (A>G on the coding strand, the complement: KCNQ2 is on the minus strand). VCF-style: chr20-63438692-T-C. GRCh37 (hg19) VCF-style: chr20-62070045-T-C.
Other names: c.956A>G, p.Lys319Arg (NM_004518.6, NM_172106.3, NM_172108.5 and 1 more transcripts); short protein forms K319R.
Identifiers: ClinVar variation 393264 (VCV000393264.2), dbSNP rs1057524860, ClinGen allele CA16608023.
Genomic context (GRCh38, chr20:63,438,692, plus strand): 5'-AGGCCTGCTGCCGGGTTCCGCCTCTTCTCAAAGTGCTTCTGCCTGTGCTGCTCCTGAACC[T>C]TCAGGGCAAACCCAGACCCCAAGATGCCCTGCAATTCATCAGGGTCAGGTCACACCCCAG-3'
Protein context (NP_742105.1, residues 309-329): AGILGSGFAL[Lys319Arg]VQEQHRQKHF

ClinVar aggregate classification (germline): Likely pathogenic (1 of 4 stars; one submission).

Submission:

GeneDx
Classification: Likely pathogenic. Last evaluated: 2017-02-07. Review status: criteria provided, single submitter. Criteria: GeneDx Variant Classification (06012015). Collection method: clinical testing. Allele origin: germline. Affected: yes.
Comment: The K319R variant has not been published as a pathogenic variant, nor has it been reported as a benign variant to our knowledge. A different missense substitution at the same position (K319T) has been reported as a de novo variant in an individual with early infantile epileptic encephalopathy (Zhang et al., 2015). The K319R variant is not observed in large population cohorts (Lek et al., 2016; 1000 Genomes Consortium et al., 2015; Exome Variant Server). The K319R variant is a conservative amino acid substitution, which is not likely to impact secondary protein structure as these residues share similar properties. However, this substitution occurs at a position that is conserved across species, and in silico analysis predicts this variant is probably damaging to the protein structure/function. Additionally, missense variants in nearby residues (G315R, H324R) have been reported in the Human Gene Mutation Database in association with KCNQ2-related disorders (Stenson et al., 2014). Therefore, this variant is likely pathogenic; however, the possibility that it is benign cannot be excluded.